The following is an entry in ClinVar:

ClinVar aggregate classification (germline): Conflicting classifications of pathogenicity. Review status: criteria provided, conflicting classifications (1 of 4 stars). 2 submissions from 2 submitters: Likely pathogenic (1); Uncertain significance (1). Last evaluated 2018-11-12.

Conditions:
Cone-rod dystrophy and hearing loss 1 (CRDHL1). Identifiers: MedGen C5193018, MONDO:0020778, OMIM 617236.

gnomAD v4.1: 1 of 1,608,410 alleles (0.000062%); highest among the groups gnomAD compares: Non-Finnish European, 0.000085%; no homozygotes.

Submissions (2):

Blueprint Genetics
Classification: Uncertain significance. Last evaluated: 2018-11-12. Review status: criteria provided, single submitter. Criteria: ACMG Guidelines, 2015. Collection method: clinical testing. Allele origin: germline.

Igenomix - Part of Vitrolife Group, Igenomix
Classification: Likely pathogenic for Cone-rod dystrophy and hearing loss 1. Review status: criteria provided, single submitter. Criteria: ACMG Guidelines, 2015. Collection method: clinical testing. Allele origin: germline. Inheritance: Autosomal recessive inheritance. Affected: no.
Comment: This NM_001330691.3:c.604-2A>C variant result in the 3' splice site variant that affects the invariant AG splice acceptor site in intron 4/16 of the CEP78 gene. In silico splice effect predictor tools predicted it to be deleterious (Aggregated Prediction: Deleterious (0.8)). This variant is found in the general population with an overall allele frequency of 6.217e-7 (1/1608410 alleles; 0 homozygotes) in the gnomAD v4.1.0. To our knowledge, no experimental evidence demonstrating an impact on protein function has been reported. Based on the evidence outlined above, the variant was classified as likely pathogenic. This variant was detected in the heterozygous state through carrier screening.

NM_001330691.3(CEP78):c.604-2A>C

Gene: CEP78 (centrosomal protein 78; plus strand). Cytogenetic location: 9q21.2.
Variant type: single nucleotide variant.
Coding change: c.604-2A>C on transcript NM_001330691.3 (MANE Select); the canonical splice acceptor site of the intron before coding-DNA position 604, A replaced by C.
Molecular consequence: splice acceptor variant.
Genome position (GRCh38, 1-based): chr9:78,243,460, A>C. VCF-style: chr9-78243460-A-C. GRCh37 (hg19) VCF-style: chr9-80858376-A-C.
Other names: c.604-2A>C (NM_001349839.2, NM_001349840.2, NM_001330693.3 and 4 more transcripts).
Identifiers: ClinVar variation 3336680 (VCV003336680.2).